The following is an entry in ClinVar:

ClinVar aggregate classification (germline): Uncertain significance. Review status: criteria provided, multiple submitters, no conflicts (2 of 4 stars). 2 submissions from 2 submitters: Uncertain significance (2). Last evaluated 2023-12-05.

Conditions:
Joubert syndrome. Also called: Familial aplasia of the vermis; JOUBERT-BOLTSHAUSER SYNDROME. Identifiers: Orphanet 475, MedGen C5979921, MONDO:0018772.
Meckel-Gruber syndrome. Also called: DYSENCEPHALIA SPLANCHNOCYSTICA; Dysencephalia splachnocystica; GRUBER SYNDROME. Identifiers: Orphanet 564, MedGen C0265215, MONDO:0018921.
Nephronophthisis. Also called: Juvenile Nephronophthisis. Identifiers: Orphanet 655, MedGen C0687120, MONDO:0019005, HP:0000090.

Allele frequency attached by ClinVar (database versions not stated): gnomAD exomes 0.00002; ExAC 0.00013; 1000 Genomes Project 0.00020; 1000 Genomes Project 30x 0.00031.
gnomAD v4.1: 34 of 1,551,724 alleles (0.0022%); highest among the groups gnomAD compares: South Asian, 0.04%; no homozygotes.

Submissions (2):

Labcorp Genetics (formerly Invitae), Labcorp
Classification: Uncertain significance for Joubert syndrome; Meckel-Gruber syndrome; Nephronophthisis. Last evaluated: 2023-12-05. Review status: criteria provided, single submitter. Criteria: Invitae Variant Classification Sherloc (09022015). Collection method: clinical testing. Allele origin: germline.
Comment: This sequence change affects codon 1604 of the CEP290 mRNA. It is a 'silent' change, meaning that it does not change the encoded amino acid sequence of the CEP290 protein. This variant also falls at the last nucleotide of exon 36, which is part of the consensus splice site for this exon. This variant is present in population databases (rs369030385, gnomAD 0.06%). This variant has not been reported in the literature in individuals affected with CEP290-related conditions. An algorithm developed to predict the effect of missense changes on protein structure and function (PolyPhen-2) suggests that this variant is likely to be disruptive. Variants that disrupt the consensus splice site are a relatively common cause of aberrant splicing (PMID: 17576681, 9536098). Algorithms developed to predict the effect of sequence changes on RNA splicing suggest that this variant may disrupt the consensus splice site. In summary, the available evidence is currently insufficient to determine the role of this variant in disease. Therefore, it has been classified as a Variant of Uncertain Significance.

Blueprint Genetics
Classification: Uncertain significance. Last evaluated: 2021-09-01. Review status: criteria provided, single submitter. Criteria: ACMG Guidelines, 2015. Collection method: clinical testing. Allele origin: germline.

Literature cited by the submitters: PubMed 17576681 (cited by Labcorp Genetics (formerly Invitae), Labcorp); PubMed 9536098 (cited by Labcorp Genetics (formerly Invitae), Labcorp).

NM_025114.4(CEP290):c.4812G>T (p.Trp1604Cys)

Gene: CEP290 (centrosomal protein 290; minus strand). Cytogenetic location: 12q21.32.
Variant type: single nucleotide variant.
Coding change: c.4812G>T on transcript NM_025114.4 (MANE Select); coding-DNA position 4812, G replaced by T.
Protein change: p.Trp1604Cys; replaces tryptophan 1604 with cysteine.
Molecular consequence: missense variant.
Genome position (GRCh38, 1-based): chr12:88,083,847, C>A on the plus strand (G>T on the coding strand, the complement: CEP290 is on the minus strand). VCF-style: chr12-88083847-C-A. GRCh37 (hg19) VCF-style: chr12-88477624-C-A.
Other names: short protein forms W1604C.
Identifiers: ClinVar variation 2923388 (VCV002923388.2), dbSNP rs369030385, ClinGen allele CA6711861.
Genomic context (GRCh38, chr12:88,083,847, plus strand): 5'-TTTTAATTTACATGGTCACAAAAATCAATAAAGAATGGAACAAAGTTCTTAGAATCTTAC[C>A]CAAGCCGTTTGTTTGAATTTATTTAGTGAACTATCAGCCTGTAGTTCTAATCTGTGATGA-3'
Protein context (NP_079390.3, residues 1594-1614): SSLNKFKQTA[Trp1604Cys]DLMKQSPTPV